The following is an entry in ClinVar:

ClinVar aggregate classification (germline): Uncertain significance (1 of 4 stars; one submission).

gnomAD v4.1: 5 of 1,614,204 alleles (0.00031%); highest among the groups gnomAD compares: South Asian, 0.0022%; no homozygotes.

Submission:

Labcorp Genetics (formerly Invitae), Labcorp
Classification: Uncertain significance. Last evaluated: 2023-07-06. Review status: criteria provided, single submitter. Criteria: Invitae Variant Classification Sherloc (09022015). Collection method: clinical testing. Allele origin: germline.
Comment: This sequence change replaces tyrosine, which is neutral and polar, with cysteine, which is neutral and slightly polar, at codon 418 of the RINT1 protein (p.Tyr418Cys). This variant is not present in population databases (gnomAD no frequency). This variant has not been reported in the literature in individuals affected with RINT1-related conditions. An algorithm developed to predict the effect of missense changes on protein structure and function (PolyPhen-2) suggests that this variant is likely to be disruptive. In summary, the available evidence is currently insufficient to determine the role of this variant in disease. Therefore, it has been classified as a Variant of Uncertain Significance.

NM_021930.6(RINT1):c.1253A>G (p.Tyr418Cys)

Gene: RINT1 (RAD50 interactor 1; plus strand). Cytogenetic location: 7q22.3.
Variant type: single nucleotide variant.
Coding change: c.1253A>G on transcript NM_021930.6 (MANE Select); coding-DNA position 1253, A replaced by G.
Protein change: p.Tyr418Cys; replaces tyrosine 418 with cysteine.
Molecular consequence: missense variant. On other transcripts: non-coding transcript variant (1).
Genome position (GRCh38, 1-based): chr7:105,550,406, A>G. VCF-style: chr7-105550406-A-G. GRCh37 (hg19) VCF-style: chr7-105190853-A-G.
Other names: c.1019A>G, p.Tyr340Cys (NM_001346599.2); c.230A>G, p.Tyr77Cys (NM_001346600.2, NM_001346603.2); c.329A>G, p.Tyr110Cys (NM_001346601.2); short protein forms Y110C, Y77C, Y340C, Y418C.
Identifiers: ClinVar variation 2776823 (VCV002776823.3), dbSNP rs762528720, ClinGen allele CA368809295.